The following is an entry in ClinVar:

NM_000138.5(FBN1):c.4194T>C (p.Asp1398=)

Gene: FBN1 (fibrillin 1; minus strand). Cytogenetic location: 15q21.1.
Variant type: single nucleotide variant.
Coding change: c.4194T>C on transcript NM_000138.5 (MANE Select); coding-DNA position 4194, T replaced by C.
Protein change: p.Asp1398=; no amino-acid change (aspartic acid 1398 retained).
Molecular consequence: synonymous variant.
Genome position (GRCh38, 1-based): chr15:48,474,271, A>G on the plus strand (T>C on the coding strand, the complement: FBN1 is on the minus strand). VCF-style: chr15-48474271-A-G. GRCh37 (hg19) VCF-style: chr15-48766468-A-G.
Identifiers: ClinVar variation 923695 (VCV000923695.6), dbSNP rs2043401428, ClinGen allele CA490014718.

ClinVar aggregate classification (germline): Likely benign. Review status: criteria provided, multiple submitters, no conflicts (2 of 4 stars). 5 submissions from 5 submitters: Likely benign (3). 2 of the submissions do not count toward it. Last evaluated 2026-08-16.

Conditions:
Familial thoracic aortic aneurysm and aortic dissection (TAAD). Also called: Thoracic aortic aneurysms and dissections. Identifiers: Orphanet 91387, MedGen C4707243, MONDO:0019625.
Marfan syndrome (MFS). Also called: MARFAN SYNDROME, TYPE I; Marfan syndrome type 1; Marfan's syndrome; Marfan syndrome, classic; FBN1-Related Marfan Syndrome. Identifiers: Orphanet 284963, Orphanet 558, MedGen C0024796, MONDO:0007947, OMIM 154700.

Allele frequency attached by ClinVar (database versions not stated): gnomAD exomes 0.00001.
gnomAD v4.1: 3 of 1,614,146 alleles (0.00019%); highest among the groups gnomAD compares: Non-Finnish European, 0.00025%; no homozygotes.

Submissions (5):

Ambry Genetics
Classification: Likely benign for Familial thoracic aortic aneurysm and aortic dissection. Last evaluated: 2026-08-16. Review status: criteria provided, single submitter. Criteria: Ambry Variant Classification Scheme 2023. Collection method: clinical testing. Allele origin: germline.

All of Us Research Program, National Institutes of Health
Classification: Likely benign for Marfan syndrome. Last evaluated: 2023-12-18. Review status: criteria provided, single submitter. Criteria: ACMG Guidelines, 2015. Collection method: clinical testing. Allele origin: germline. Inheritance: Autosomal dominant inheritance. Observed: 2 variant alleles, 2 heterozygotes.
Comment: This study involves interpretation of variants in research participants for the purpose of population health screening. Participant phenotype was not available at the time of variant classification. Additional details can be found in publication PMID: 35346344, PMCID: PMC8962531

Color Diagnostics, LLC DBA Color Health
Classification: Likely benign for Familial thoracic aortic aneurysm and aortic dissection. Last evaluated: 2019-01-31. Review status: criteria provided, single submitter. Criteria: ACMG Guidelines, 2015. Collection method: clinical testing. Allele origin: germline.

Clinical Genetics DNA and cytogenetics Diagnostics Lab, Erasmus MC, Erasmus Medical Center
Classification: Likely benign. Review status: no assertion criteria provided. Collection method: clinical testing. Allele origin: germline. Affected: yes. Study: VKGL Data-share Consensus. Not counted in ClinVar's aggregate classification.

Genome Diagnostics Laboratory, Amsterdam University Medical Center
Classification: Likely benign. Review status: no assertion criteria provided. Collection method: clinical testing. Allele origin: germline. Affected: yes. Study: VKGL Data-share Consensus. Not counted in ClinVar's aggregate classification.